The following is an entry in ClinVar:

NM_001009944.3(PKD1):c.861_870del (p.Gln288fs)

Gene: PKD1 (polycystin 1, transient receptor potential channel interacting; minus strand). Cytogenetic location: 16p13.3.
Variant type: Deletion.
Coding change: c.861_870del on transcript NM_001009944.3 (MANE Select); coding-DNA positions 861 to 870, 10 bases deleted (CCAGCTAGCA; older notation c.861_870delCCAGCTAGCA).
Protein change: p.Gln288fs; shifts the reading frame from glutamine 288.
Molecular consequence: frameshift variant.
Genome position (GRCh38, 1-based): chr16:2,118,122-2,118,131, TGCTAGCTGG deleted on the plus strand (CCAGCTAGCA on the coding strand, the reverse complement: PKD1 is on the minus strand). VCF-style (leftmost placement, unchanged base first): chr16-2118121-CTGCTAGCTGG-C. GRCh37 (hg19) VCF-style: chr16-2168122-CTGCTAGCTGG-C.
Other names: c.861_870del10 (NM_001009944.3); c.861_870del, p.Gln288fs (NM_000296.4); short protein forms Q288fs.
Identifiers: ClinVar variation 4847298 (VCV004847298.1).

ClinVar aggregate classification (germline): Pathogenic (1 of 4 stars; one submission).

Conditions:
Polycystic kidney disease, adult type (PKD1). Also called: Polycystic Kidney Disease 1, Autosomal Dominant; Polycystic kidney disease 1; Polycystic kidney disease 1, severe; Polycystic Kidney, Autosomal Dominant; POLYCYSTIC KIDNEY DISEASE, ADULT, TYPE I; POLYCYSTIC KIDNEY DISEASE 1 WITH OR WITHOUT POLYCYSTIC LIVER DISEASE. Identifiers: MedGen C3149841, MONDO:0008263, OMIM 173900.

Submission:

Women's Health and Genetics/Laboratory Corporation of America, LabCorp
Classification: Pathogenic for Polycystic kidney disease, adult type. Last evaluated: 2026-03-12. Review status: criteria provided, single submitter. Criteria: LabCorp Variant Classification Summary - May 2015. Collection method: clinical testing. Allele origin: germline.
Comment: Variant summary: PKD1 c.861_870del10 (p.Gln288ProfsX43) results in a premature termination codon, predicted to cause a truncation of the encoded protein or absence of the protein due to nonsense mediated decay, which are commonly known mechanisms for disease. The variant was absent in 220366 control chromosomes. To our knowledge, no occurrence of c.861_870del10 in individuals affected with PKD1-related conditions and no experimental evidence demonstrating its impact on protein function have been reported. No submitters have cited clinical-significance assessments for this variant to ClinVar. Based on the evidence outlined above, the variant was classified as pathogenic.